The following is an entry in ClinVar:

NM_206933.4(USH2A):c.15010G>T (p.Val5004Phe)

Gene: USH2A (usherin; minus strand). Cytogenetic location: 1q41.
Variant type: single nucleotide variant.
Coding change: c.15010G>T on transcript NM_206933.4 (MANE Select); coding-DNA position 15010, G replaced by T.
Protein change: p.Val5004Phe; replaces valine 5004 with phenylalanine.
Molecular consequence: missense variant.
Genome position (GRCh38, 1-based): chr1:215,639,197, C>A on the plus strand (G>T on the coding strand, the complement: USH2A is on the minus strand). VCF-style: chr1-215639197-C-A. GRCh37 (hg19) VCF-style: chr1-215812539-C-A.
Other names: short protein forms V5004F.
Identifiers: ClinVar variation 2821335 (VCV002821335.3), dbSNP rs2464784742, ClinGen allele CA344826514.
Genomic context (GRCh38, chr1:215,639,197, plus strand): 5'-ATAATATGAGTTGTTTACCAAGTCCAGTAGAGGTATCATATTGGATCAACGGCGTCTTAA[C>A]ACTTCCTTCGTCAGTCGTGCAGATGACCTGGAAAAAGAAGGCTAGACAAAAGGAAGAACT-3'
Protein context (NP_996816.3, residues 4994-5014): QVICTTDEGS[Val5004Phe]KTPLIQYDTS

ClinVar aggregate classification (germline): Uncertain significance (1 of 4 stars; one submission).

Submission:

Labcorp Genetics (formerly Invitae), Labcorp
Classification: Uncertain significance. Last evaluated: 2022-12-16. Review status: criteria provided, single submitter. Criteria: Invitae Variant Classification Sherloc (09022015). Collection method: clinical testing. Allele origin: germline.
Comment: In summary, the available evidence is currently insufficient to determine the role of this variant in disease. Therefore, it has been classified as a Variant of Uncertain Significance. Advanced modeling of protein sequence and biophysical properties (such as structural, functional, and spatial information, amino acid conservation, physicochemical variation, residue mobility, and thermodynamic stability) performed at Invitae indicates that this missense variant is not expected to disrupt USH2A protein function. This variant has not been reported in the literature in individuals affected with USH2A-related conditions. This variant is not present in population databases (gnomAD no frequency). This sequence change replaces valine, which is neutral and non-polar, with phenylalanine, which is neutral and non-polar, at codon 5004 of the USH2A protein (p.Val5004Phe).